The following is an entry in ClinVar:

NM_015662.3(IFT172):c.786-2A>G

Gene: IFT172 (intraflagellar transport 172; minus strand). Cytogenetic location: 2p23.3.
Variant type: single nucleotide variant.
Coding change: c.786-2A>G on transcript NM_015662.3 (MANE Select); the canonical splice acceptor site of the intron before coding-DNA position 786, A replaced by G.
Molecular consequence: splice acceptor variant.
Genome position (GRCh38, 1-based): chr2:27,480,151, T>C on the plus strand (A>G on the coding strand, the complement: IFT172 is on the minus strand). VCF-style: chr2-27480151-T-C. GRCh37 (hg19) VCF-style: chr2-27703018-T-C.
Other names: c.786-2A>G (NM_001410739.1, NM_015662.2).
Identifiers: ClinVar variation 2931761 (VCV002931761.5), dbSNP rs757253624, ClinGen allele CA1580857.
Genomic context (GRCh38, chr2:27,480,151, plus strand): 5'-CCTTGGGCTTTGCCTCTTCCCAGATGCTTCTTCGAGGGATCCAGTTGAACACCCGAAGCC[T>C]GAAATAAAGTATGTGGCTTTTAGAAGAGATTGAGGCTGAGCTAAAGAGTGCAAATGGGCT-3'

ClinVar aggregate classification (germline): Likely pathogenic. Review status: criteria provided, multiple submitters, no conflicts (2 of 4 stars). 3 submissions from 3 submitters: Likely pathogenic (2). 1 of the submissions does not count toward it. Last evaluated 2023-03-19.

Conditions:
IFT172-related disorder. Also called: IFT172-related disorders; IFT172-related condition.
Retinitis pigmentosa 71 (RP71). Identifiers: Orphanet 791, MedGen C4225342, MONDO:0014618, OMIM 616394.
Short-rib thoracic dysplasia 10 with or without polydactyly (SRTD10). Identifiers: Orphanet 474, MedGen C3810175, MONDO:0014284, OMIM 615630.

gnomAD v4.1: 2 of 1,612,386 alleles (0.00012%); highest among the groups gnomAD compares: Non-Finnish European, 0.000085%; no homozygotes.

Submissions (3):

Labcorp Genetics (formerly Invitae), Labcorp
Classification: Likely pathogenic for Retinitis pigmentosa 71; Short-rib thoracic dysplasia 10 with or without polydactyly. Last evaluated: 2023-03-19. Review status: criteria provided, single submitter. Criteria: Invitae Variant Classification Sherloc (09022015). Collection method: clinical testing. Allele origin: germline.
Comment: This sequence change affects an acceptor splice site in intron 8 of the IFT172 gene. It is expected to disrupt RNA splicing. Variants that disrupt the donor or acceptor splice site typically lead to a loss of protein function (PMID: 16199547), and loss-of-function variants in IFT172 are known to be pathogenic (PMID: 24140113). This variant is not present in population databases (gnomAD no frequency). This variant has not been reported in the literature in individuals affected with IFT172-related conditions. Algorithms developed to predict the effect of sequence changes on RNA splicing suggest that this variant may disrupt the consensus splice site. In summary, the currently available evidence indicates that the variant is pathogenic, but additional data are needed to prove that conclusively. Therefore, this variant has been classified as Likely Pathogenic.

Blueprint Genetics
Classification: Likely pathogenic for IFT172-related disorders. Last evaluated: 2021-06-17. Review status: criteria provided, single submitter. Criteria: ACMG Guidelines, 2015. Collection method: clinical testing. Allele origin: germline. Affected: yes. Observed: 1 variant allele.

PreventionGenetics, part of Exact Sciences
Classification: Likely pathogenic for IFT172-related condition. Last evaluated: 2024-07-05. Review status: no assertion criteria provided. Collection method: clinical testing. Allele origin: germline. Not counted in ClinVar's aggregate classification.
Comment: The IFT172 c.786-2A>G variant is predicted to disrupt the AG splice acceptor site and interfere with normal splicing. To our knowledge, this variant has not been reported in the literature. This variant is reported in 0.00089% of alleles in individuals of European (Non-Finnish) descent in gnomAD. Variants that disrupt the consensus splice acceptor site in IFT172 are expected to be pathogenic. This variant is interpreted as likely pathogenic.

Literature cited by the submitters: PubMed 16199547 (cited by Labcorp Genetics (formerly Invitae), Labcorp); PubMed 24140113 (cited by Labcorp Genetics (formerly Invitae), Labcorp).